The following is an entry in ClinVar:

NM_003334.4(UBA1):c.648A>G (p.Pro216=)

Gene: UBA1 (ubiquitin like modifier activating enzyme 1; plus strand). Cytogenetic location: Xp11.3.
Variant type: single nucleotide variant.
Coding change: c.648A>G on transcript NM_003334.4 (MANE Select); coding-DNA position 648, A replaced by G.
Protein change: p.Pro216=; no amino-acid change (proline 216 retained).
Molecular consequence: synonymous variant.
Genome position (GRCh38, 1-based): chrX:47,201,336, A>G. VCF-style: chrX-47201336-A-G. GRCh37 (hg19) VCF-style: chrX-47060735-A-G.
Other names: c.648A>G, p.Pro216= (NM_153280.3).
Identifiers: ClinVar variation 702776 (VCV000702776.17), dbSNP rs146676571, ClinGen allele CA10395722.
Genomic context (GRCh38, chrX:47,201,336, plus strand): 5'-GCAGCTCTTCTGTGACTTTGGAGAGGAAATGATCCTCACAGATTCCAATGGGGAGCAGCC[A>G]CTCAGTGCTATGGTTTCTATGGTTACCAAGGTAAGGAGACCAGCCCTAGGGTTCCTGGCA-3'
Protein context (NP_003325.2, residues 206-226): MILTDSNGEQ[Pro216=]LSAMVSMVTK

ClinVar aggregate classification (germline): Benign/Likely benign. Review status: criteria provided, multiple submitters, no conflicts (2 of 4 stars). 6 submissions from 6 submitters: Benign (3); Likely benign (2). 1 of the submissions does not count toward it. Last evaluated 2026-06-01.

Conditions:
UBA1-related disorder. Also called: UBA1-related condition.
Infantile-onset X-linked spinal muscular atrophy. Also called: SPINAL MUSCULAR ATROPHY, X-LINKED LETHAL INFANTILE; Spinal Muscular Atrophy, X-Linked Infantile; Spinal muscular atrophy, X-linked 2; AMC, DISTAL, X-LINKED; ARTHROGRYPOSIS, X-LINKED, TYPE I. Identifiers: Orphanet 1145, MedGen C1844934, MONDO:0010532, OMIM 301830.

Allele frequency attached by ClinVar (database versions not stated): gnomAD exomes 0.00012 and 0.00022; ExAC 0.00031; gnomAD 0.00067 and 0.00068; TOPMed 0.00094; ESP Exome Variant Server 0.00095; 1000 Genomes Project 0.00132; 1000 Genomes Project 30x 0.00146.
gnomAD v4.1: 219 of 1,208,473 alleles (0.018%); highest among the groups gnomAD compares: African/African-American, 0.29%; no homozygotes.

Submissions (6):

CeGaT Center for Human Genetics Tuebingen
Classification: Likely benign. Last evaluated: 2026-06-01. Review status: criteria provided, single submitter. Criteria: CeGaT Center For Human Genetics Tuebingen Variant Classification Criteria Version 2. Collection method: clinical testing. Allele origin: germline. Affected: yes. Observed: 1 variant allele.
Comment: UBA1: BP4, BP7, BS2

Labcorp Genetics (formerly Invitae), Labcorp
Classification: Benign for Infantile-onset X-linked spinal muscular atrophy. Last evaluated: 2025-12-02. Review status: criteria provided, single submitter. Criteria: Invitae Variant Classification Sherloc (09022015). Collection method: clinical testing. Allele origin: germline.

Blueprint Genetics
Classification: Likely benign. Last evaluated: 2024-07-11. Review status: criteria provided, single submitter. Criteria: ACMG Guidelines, 2015. Collection method: clinical testing. Allele origin: germline.

GeneDx
Classification: Benign. Last evaluated: 2021-04-21. Review status: criteria provided, single submitter. Criteria: GeneDx Variant Classification Process June 2021. Collection method: clinical testing. Allele origin: germline. Affected: yes.

Breakthrough Genomics
Classification: Benign. Review status: criteria provided, single submitter. Criteria: ACMG Guidelines, 2015. Collection method: not provided. Allele origin: germline. Inheritance: Other. Affected: yes.

PreventionGenetics, part of Exact Sciences
Classification: Likely benign for UBA1-related condition. Last evaluated: 2019-03-21. Review status: no assertion criteria provided. Collection method: clinical testing. Allele origin: germline. Not counted in ClinVar's aggregate classification.
Comment: This variant is classified as likely benign based on ACMG/AMP sequence variant interpretation guidelines (Richards et al. 2015 PMID: 25741868, with internal and published modifications).